The following is an entry in ClinVar:

NM_198253.3(TERT):c.836C>T (p.Ala279Val)

Gene: TERT (telomerase reverse transcriptase; minus strand). Cytogenetic location: 5p15.33.
Variant type: single nucleotide variant.
Coding change: c.836C>T on transcript NM_198253.3 (MANE Select); coding-DNA position 836, C replaced by T.
Protein change: p.Ala279Val; replaces alanine 279 with valine.
Molecular consequence: missense variant. On other transcripts: non-coding transcript variant (2).
Genome position (GRCh38, 1-based): chr5:1,294,050, G>A on the plus strand (C>T on the coding strand, the complement: TERT is on the minus strand). VCF-style: chr5-1294050-G-A. GRCh37 (hg19) VCF-style: chr5-1294165-G-A.
Other names: c.836C>T, p.Ala279Val (NM_001193376.3, NM_003219.1); short protein forms A279V.
Identifiers: ClinVar variation 1720694 (VCV001720694.7), dbSNP rs1751198439, ClinGen allele CA359056561.

ClinVar aggregate classification (germline): Uncertain significance. Review status: criteria provided, multiple submitters, no conflicts (2 of 4 stars). 2 submissions from 2 submitters: Uncertain significance (2). Last evaluated 2023-04-18.

Conditions:
Dyskeratosis congenita, autosomal dominant 2. Identifiers: MedGen C3151443, MONDO:0013521, OMIM 613989.
Idiopathic Pulmonary Fibrosis. Also called: Idiopathic fibrosing alveolitis, chronic form; idiopathic fibrosing alveolitis. Identifiers: Orphanet 2032, MedGen C1800706, MeSH D054990, MONDO:0800504.
Dyskeratosis congenita. Identifiers: Orphanet 1775, MedGen C0265965, MONDO:0015780.

Allele frequency attached by ClinVar (database versions not stated): gnomAD exomes below 0.00001; TOPMed below 0.00001.
gnomAD v4.1: 1 of 1,592,312 alleles (0.000063%); highest among the groups gnomAD compares: Non-Finnish European, 0.000085%; no homozygotes.

Submissions (2):

Ambry Genetics
Classification: Uncertain significance for Dyskeratosis congenita. Last evaluated: 2023-04-18. Review status: criteria provided, single submitter. Criteria: Ambry Variant Classification Scheme 2023. Collection method: clinical testing. Allele origin: germline.
Comment: The p.A279V variant (also known as c.836C>T), located in coding exon 2 of the TERT gene, results from a C to T substitution at nucleotide position 836. The alanine at codon 279 is replaced by valine, an amino acid with similar properties. This amino acid position is conserved. In addition, the in silico prediction for this alteration is inconclusive. Since supporting evidence is limited at this time, the clinical significance of this alteration remains unclear.

Labcorp Genetics (formerly Invitae), Labcorp
Classification: Uncertain significance for Dyskeratosis congenita, autosomal dominant 2; Idiopathic Pulmonary Fibrosis. Last evaluated: 2022-09-29. Review status: criteria provided, single submitter. Criteria: Invitae Variant Classification Sherloc (09022015). Collection method: clinical testing. Allele origin: germline.
Comment: In summary, the available evidence is currently insufficient to determine the role of this variant in disease. Therefore, it has been classified as a Variant of Uncertain Significance. Algorithms developed to predict the effect of missense changes on protein structure and function output the following: SIFT: "Tolerated"; PolyPhen-2: "Benign"; Align-GVGD: "Class C0". The valine amino acid residue is found in multiple mammalian species, which suggests that this missense change does not adversely affect protein function. This variant has not been reported in the literature in individuals affected with TERT-related conditions. This variant is not present in population databases (gnomAD no frequency). This sequence change replaces alanine, which is neutral and non-polar, with valine, which is neutral and non-polar, at codon 279 of the TERT protein (p.Ala279Val).